The following is an entry in ClinVar:

ClinVar aggregate classification (germline): Uncertain significance. Review status: criteria provided, multiple submitters, no conflicts (2 of 4 stars). 2 submissions from 2 submitters: Uncertain significance (2). Last evaluated 2022-10-17.

Conditions:
Kindler syndrome (KNDLRS). Also called: BULLOUS ACROKERATOTIC POIKILODERMA OF KINDLER AND WEARY; POIKILODERMA, CONGENITAL, WITH BULLAE, WEARY TYPE; POIKILODERMA, HEREDITARY ACROKERATOTIC; Hereditary acrokeratotic poikiloderma of Weary; Poikiloderma of Kindler; Congenital bullous poikiloderma. Identifiers: Orphanet 2908, Orphanet 306539, MedGen C0406557, MONDO:0008260, OMIM 173650.

Allele frequency attached by ClinVar (database versions not stated): ExAC 0.00002; gnomAD exomes 0.00004 and 0.00010; gnomAD 0.00005 and 0.00006; TOPMed 0.00005; ESP Exome Variant Server 0.00008.
gnomAD v4.1: 156 of 1,613,936 alleles (0.0097%); highest among the groups gnomAD compares: Middle Eastern, 0.017%; no homozygotes.

Submissions (2):

Labcorp Genetics (formerly Invitae), Labcorp
Classification: Uncertain significance. Last evaluated: 2022-10-17. Review status: criteria provided, single submitter. Criteria: Invitae Variant Classification Sherloc (09022015). Collection method: clinical testing. Allele origin: germline.
Comment: This sequence change replaces serine, which is neutral and polar, with leucine, which is neutral and non-polar, at codon 472 of the FERMT1 protein (p.Ser472Leu). This variant is present in population databases (rs150472152, gnomAD 0.008%). This variant has not been reported in the literature in individuals affected with FERMT1-related conditions. ClinVar contains an entry for this variant (Variation ID: 339216). Advanced modeling of protein sequence and biophysical properties (such as structural, functional, and spatial information, amino acid conservation, physicochemical variation, residue mobility, and thermodynamic stability) performed at Invitae indicates that this missense variant is not expected to disrupt FERMT1 protein function. In summary, the available evidence is currently insufficient to determine the role of this variant in disease. Therefore, it has been classified as a Variant of Uncertain Significance.

Illumina Laboratory Services, Illumina
Classification: Uncertain significance for Kindler syndrome. Last evaluated: 2018-01-12. Review status: criteria provided, single submitter. Criteria: ICSL Variant Classification Criteria 13 December 2019. Collection method: clinical testing. Allele origin: germline.

NM_017671.5(FERMT1):c.1415C>T (p.Ser472Leu)

Gene: FERMT1 (FERM domain containing kindlin 1; minus strand). Cytogenetic location: 20p12.3.
Variant type: single nucleotide variant.
Coding change: c.1415C>T on transcript NM_017671.5 (MANE Select); coding-DNA position 1415, C replaced by T.
Protein change: p.Ser472Leu; replaces serine 472 with leucine.
Molecular consequence: missense variant.
Genome position (GRCh38, 1-based): chr20:6,085,244, G>A on the plus strand (C>T on the coding strand, the complement: FERMT1 is on the minus strand). VCF-style: chr20-6085244-G-A. GRCh37 (hg19) VCF-style: chr20-6065891-G-A.
Other names: short protein forms S472L.
Identifiers: ClinVar variation 339216 (VCV000339216.7), dbSNP rs150472152, ClinGen allele CA9758137.
Genomic context (GRCh38, chr20:6,085,244, plus strand): 5'-AATGAAAGGATGTTGAGGACCTCTGGCTGGTAGGAGCTGTCTGCCATGGTTTTGCCCTTC[G>A]ATGCCAACATGCAGGCAGCCATCCATTGGGCGTATTGATTCTCCTGCAGCAAACAGAAGG-3'
Protein context (NP_060141.3, residues 462-482): AQWMAACMLA[Ser472Leu]KGKTMADSSY